The following is an entry in ClinVar:

ClinVar aggregate classification (germline): Uncertain significance. Review status: criteria provided, multiple submitters, no conflicts (2 of 4 stars). 3 submissions from 3 submitters: Uncertain significance (3). Last evaluated 2025-12-24.

Conditions:
Cardiomyopathy (CMYO). Also called: Cardiomyopathies. Identifiers: Orphanet 167848, MedGen C0878544, MONDO:0004994, HP:0001638. Inheritance: Various modes of inheritance.
Catecholaminergic polymorphic ventricular tachycardia (CVPT). Also called: Catecholamine-induced polymorphic ventricular tachycardia. Identifiers: Orphanet 3286, MedGen C5574922, MONDO:0017990.
Catecholaminergic polymorphic ventricular tachycardia 1. Also called: VENTRICULAR TACHYCARDIA, STRESS-INDUCED POLYMORPHIC 1; VENTRICULAR TACHYCARDIA, CATECHOLAMINERGIC POLYMORPHIC, 1, WITH OR WITHOUT ATRIAL DYSFUNCTION AND/OR DILATED CARDIOMYOPATHY; RYR2-Related Catecholaminergic Polymorphic Ventricular Tachycardia. Identifiers: Orphanet 3286, MedGen C1631597, MONDO:0011484, OMIM 604772.

Allele frequency attached by ClinVar (database versions not stated): gnomAD exomes below 0.00001; gnomAD 0.00001; TOPMed 0.00002.
gnomAD v4.1: 10 of 1,597,230 alleles (0.00063%); highest among the groups gnomAD compares: Non-Finnish European, 0.00086%; no homozygotes.

Submissions (3):

Labcorp Genetics (formerly Invitae), Labcorp
Classification: Uncertain significance for Catecholaminergic polymorphic ventricular tachycardia 1. Last evaluated: 2025-12-24. Review status: criteria provided, single submitter. Criteria: Invitae Variant Classification Sherloc (09022015). Collection method: clinical testing. Allele origin: germline.
Comment: This sequence change replaces asparagine, which is neutral and polar, with histidine, which is basic and polar, at codon 1974 of the RYR2 protein (p.Asn1974His). This variant is present in population databases (no rsID available, gnomAD 0.0009%). This variant has not been reported in the literature in individuals affected with RYR2-related conditions. ClinVar contains an entry for this variant (Variation ID: 1172145). Invitae Evidence Modeling of protein sequence and biophysical properties (such as structural, functional, and spatial information, amino acid conservation, physicochemical variation, residue mobility, and thermodynamic stability) has been performed for this missense variant. However, the output from this modeling did not meet the statistical confidence thresholds required to predict the impact of this variant on RYR2 protein function. In summary, the available evidence is currently insufficient to determine the role of this variant in disease. Therefore, it has been classified as a Variant of Uncertain Significance.

All of Us Research Program, National Institutes of Health
Classification: Uncertain significance for Catecholaminergic polymorphic ventricular tachycardia. Last evaluated: 2024-08-13. Review status: criteria provided, single submitter. Criteria: ACMG Guidelines, 2015. Collection method: clinical testing. Allele origin: germline. Inheritance: Autosomal dominant inheritance. Observed: 3 variant alleles, 3 heterozygotes.
Comment: This missense variant replaces asparagine with histidine at codon 1974 of the RYR2 protein. Computational prediction suggests that this variant may not impact protein structure and function (internally defined REVEL score threshold <= 0.5, PMID: 27666373). To our knowledge, functional studies have not been reported for this variant. This variant has not been reported in individuals affected with cardiovascular disorders in the literature. This variant has been identified in 1/246908 chromosomes in the general population by the Genome Aggregation Database (gnomAD). The available evidence is insufficient to determine the role of this variant in disease conclusively. Therefore, this variant is classified as a Variant of Uncertain Significance.

This study involves interpretation of variants in research participants for the purpose of population health screening. Participant phenotype was not available at the time of variant classification. Additional details can be found in publication PMID: 35346344, PMCID: PMC8962531

Color Diagnostics, LLC DBA Color Health
Classification: Uncertain significance for Cardiomyopathy. Last evaluated: 2024-03-06. Review status: criteria provided, single submitter. Criteria: ACMG Guidelines, 2015. Collection method: clinical testing. Allele origin: germline.
Comment: This missense variant replaces asparagine with histidine at codon 1974 of the RYR2 protein. Computational prediction suggests that this variant may not impact protein structure and function (internally defined REVEL score threshold <= 0.5, PMID: 27666373). To our knowledge, functional studies have not been reported for this variant. This variant has not been reported in individuals affected with cardiovascular disorders in the literature. This variant has been identified in 1/246908 chromosomes in the general population by the Genome Aggregation Database (gnomAD). The available evidence is insufficient to determine the role of this variant in disease conclusively. Therefore, this variant is classified as a Variant of Uncertain Significance.

NM_001035.3(RYR2):c.5920A>C (p.Asn1974His)

Gene: RYR2 (ryanodine receptor 2; plus strand). Cytogenetic location: 1q43.
Variant type: single nucleotide variant.
Coding change: c.5920A>C on transcript NM_001035.3 (MANE Select); coding-DNA position 5920, A replaced by C.
Protein change: p.Asn1974His; replaces asparagine 1974 with histidine.
Molecular consequence: missense variant.
Genome position (GRCh38, 1-based): chr1:237,623,768, A>C. VCF-style: chr1-237623768-A-C. GRCh37 (hg19) VCF-style: chr1-237787068-A-C.
Other names: short protein forms N1974H.
Identifiers: ClinVar variation 1172145 (VCV001172145.9), dbSNP rs1450235463, ClinGen allele CA345408080.
Genomic context (GRCh38, chr1:237,623,768, plus strand): 5'-GAATTCACCTTTCTTTTCTTCCTCCTTCTTCCTCTTTCTTGTTTTTCAAACTTTCAGATC[A>C]ATATGCTTCTCAATTTTAAGGATGACAAAAGTGAATGTCCATGTCCAGAAGAAATTCGTG-3'
Protein context (NP_001026.2, residues 1964-1984): EFRSPPQEQI[Asn1974His]MLLNFKDDKS